The following is an entry in ClinVar:

NM_017570.5(OPLAH):c.92G>A (p.Arg31Gln)

Gene: OPLAH (5-oxoprolinase, ATP-hydrolysing; minus strand). Cytogenetic location: 8q24.3.
Variant type: single nucleotide variant.
Coding change: c.92G>A on transcript NM_017570.5 (MANE Select); coding-DNA position 92, G replaced by A.
Protein change: p.Arg31Gln; replaces arginine 31 with glutamine.
Molecular consequence: missense variant.
Genome position (GRCh38, 1-based): chr8:144,059,941, C>T on the plus strand (G>A on the coding strand, the complement: OPLAH is on the minus strand). VCF-style: chr8-144059941-C-T. GRCh37 (hg19) VCF-style: chr8-145114844-C-T.
Other names: c.92G>A (NM_017570.4); short protein forms R31Q.
Identifiers: ClinVar variation 1164523 (VCV001164523.10), dbSNP rs7004867, ClinGen allele CA4932413.

ClinVar aggregate classification (germline): Benign. Review status: criteria provided, multiple submitters, no conflicts (2 of 4 stars). 3 submissions from 3 submitters: Benign (2). 1 of the submissions does not count toward it. Last evaluated 2026-02-01.

Conditions:
OPLAH-related disorder. Also called: OPLAH-related condition.
5-Oxoprolinase deficiency (OPLAHD). Also called: 5-OXOPROLINURIA DUE TO 5-OXOPROLINASE DEFICIENCY. Identifiers: Orphanet 33572, MedGen C0268525, MONDO:0009825, OMIM 260005, HP:0040142.

Allele frequency attached by ClinVar (database versions not stated): TOPMed 0.08099; gnomAD 0.08180 and 0.07958; ExAC 0.06239; ESP Exome Variant Server 0.08339; 1000 Genomes Project 30x 0.06215; 1000 Genomes Project 0.06170; gnomAD exomes 0.06252 and 0.07192.
gnomAD v4.1: 117,009 of 1,612,728 alleles (7.3%); highest among the groups gnomAD compares: African/African-American, 11%; 4,615 homozygotes.

Submissions (3):

Labcorp Genetics (formerly Invitae), Labcorp
Classification: Benign for 5-Oxoprolinase deficiency. Last evaluated: 2026-02-01. Review status: criteria provided, single submitter. Criteria: Invitae Variant Classification Sherloc (09022015). Collection method: clinical testing. Allele origin: germline.

Breakthrough Genomics
Classification: Benign. Review status: criteria provided, single submitter. Criteria: ACMG Guidelines, 2015. Collection method: not provided. Allele origin: germline. Inheritance: Autosomal recessive inheritance. Affected: yes.

PreventionGenetics, part of Exact Sciences
Classification: Benign for OPLAH-related condition. Last evaluated: 2019-12-18. Review status: no assertion criteria provided. Collection method: clinical testing. Allele origin: germline. Not counted in ClinVar's aggregate classification.
Comment: This variant is classified as benign based on ACMG/AMP sequence variant interpretation guidelines (Richards et al. 2015 PMID: 25741868, with internal and published modifications).